The following is an entry in ClinVar:

NM_004525.3(LRP2):c.7064A>G (p.His2355Arg)

Gene: LRP2 (LDL receptor related protein 2; minus strand). Cytogenetic location: 2q31.1.
Variant type: single nucleotide variant.
Coding change: c.7064A>G on transcript NM_004525.3 (MANE Select); coding-DNA position 7064, A replaced by G.
Protein change: p.His2355Arg; replaces histidine 2355 with arginine.
Molecular consequence: missense variant.
Genome position (GRCh38, 1-based): chr2:169,206,656, T>C on the plus strand (A>G on the coding strand, the complement: LRP2 is on the minus strand). VCF-style: chr2-169206656-T-C. GRCh37 (hg19) VCF-style: chr2-170063166-T-C.
Other names: short protein forms H2355R.
Identifiers: ClinVar variation 1524204 (VCV001524204.7), dbSNP rs576596052, ClinGen allele CA1954170.
Genomic context (GRCh38, chr2:169,206,656, plus strand): 5'-AGGGTCCCAAAGGCACAGTCACATTTTGGGGTGTGCAATCCAGGCAGAGCAAAGCAGAGA[T>C]GAGAGCACCCACCATTGTTTTCCAAGCAAGGGTTGTTGTTGACCTCTGCTGGTGACCGGG-3'
Protein context (NP_004516.2, residues 2345-2365): PCLENNGGCS[His2355Arg]LCFALPGLHT

ClinVar aggregate classification (germline): Uncertain significance. Review status: criteria provided, multiple submitters, no conflicts (2 of 4 stars). 3 submissions from 3 submitters: Uncertain significance (3). Last evaluated 2024-06-18.

Conditions:
Donnai-Barrow syndrome. Also called: DBS/FOAR SYNDROME; FACIOOCULOACOUSTICORENAL SYNDROME. Identifiers: Orphanet 2143, MedGen C1857277, MONDO:0009104, OMIM 222448.

Allele frequency attached by ClinVar (database versions not stated): gnomAD exomes 0.00001 and 0.00002; ExAC 0.00002; gnomAD 0.00005 and 0.00006; 1000 Genomes Project 0.00040; 1000 Genomes Project 30x 0.00047; TOPMed 0.00006.
gnomAD v4.1: 19 of 1,614,154 alleles (0.0012%); highest among the groups gnomAD compares: African/African-American, 0.017%; no homozygotes.

Submissions (3):

Fulgent Genetics
Classification: Uncertain significance for Donnai-Barrow syndrome. Last evaluated: 2024-06-18. Review status: criteria provided, single submitter. Criteria: ACMG Guidelines, 2015. Collection method: clinical testing. Allele origin: germline.

Genomic Medicine Center of Excellence, King Faisal Specialist Hospital and Research Centre
Classification: Uncertain significance for Donnai-Barrow syndrome. Last evaluated: 2024-03-26. Review status: criteria provided, single submitter. Criteria: ACMG Guidelines, 2015. Collection method: clinical testing. Allele origin: germline.

Labcorp Genetics (formerly Invitae), Labcorp
Classification: Uncertain significance. Last evaluated: 2022-02-20. Review status: criteria provided, single submitter. Criteria: Invitae Variant Classification Sherloc (09022015). Collection method: clinical testing. Allele origin: germline.
Comment: This sequence change replaces histidine, which is basic and polar, with arginine, which is basic and polar, at codon 2355 of the LRP2 protein (p.His2355Arg). This variant is present in population databases (rs576596052, gnomAD 0.03%). This variant has not been reported in the literature in individuals affected with LRP2-related conditions. Advanced modeling of protein sequence and biophysical properties (such as structural, functional, and spatial information, amino acid conservation, physicochemical variation, residue mobility, and thermodynamic stability) performed at Invitae indicates that this missense variant is expected to disrupt LRP2 protein function. In summary, the available evidence is currently insufficient to determine the role of this variant in disease. Therefore, it has been classified as a Variant of Uncertain Significance.